The following is an entry in ClinVar:

ClinVar aggregate classification (germline): Pathogenic (1 of 4 stars; one submission).

Conditions:
Hereditary nonpolyposis colorectal neoplasms. Identifiers: MedGen C0009405, MeSH D003123.

Submission:

Labcorp Genetics (formerly Invitae), Labcorp
Classification: Pathogenic for Hereditary nonpolyposis colon cancer. Last evaluated: 2019-05-01. Review status: criteria provided, single submitter. Criteria: Invitae Variant Classification Sherloc (09022015). Collection method: clinical testing. Allele origin: germline.
Comment: This variant is an out-of-frame deletion of the genomic region encompassing exons 2-6 of the MSH6 gene. This is expected to create a premature translational stop signal and result in an absent or disrupted protein product. A similar deletion has been observed in a family with clinical features of Lynch syndrome (PMID: 20028993). Loss-of-function variants in MSH6 are known to be pathogenic (PMID: 18269114, 24362816). For these reasons, this variant has been classified as Pathogenic.

Literature cited by the submitters: PubMed 20028993.

NC_000002.12:g.(?_47790917)_(47805037_?)del

Gene: MSH6 (mutS homolog 6; plus strand). Cytogenetic location: 2p16.3.
Variant type: Deletion.
Identifiers: ClinVar variation 832340 (VCV000832340.1).